The following is an entry in ClinVar:

NM_018896.5(CACNA1G):c.338G>A (p.Arg113His)

Gene: CACNA1G (calcium voltage-gated channel subunit alpha1 G; plus strand). Cytogenetic location: 17q21.33.
Variant type: single nucleotide variant.
Coding change: c.338G>A on transcript NM_018896.5 (MANE Select); coding-DNA position 338, G replaced by A.
Protein change: p.Arg113His; replaces arginine 113 with histidine.
Molecular consequence: missense variant. On other transcripts: non-coding transcript variant (5).
Genome position (GRCh38, 1-based): chr17:50,568,965, G>A. VCF-style: chr17-50568965-G-A. GRCh37 (hg19) VCF-style: chr17-48646326-G-A.
Other names: c.338G>A, p.Arg113His (NM_001256324.2, NM_001256325.2, NM_001256326.2 and 24 more transcripts); short protein forms R113H.
Identifiers: ClinVar variation 1303655 (VCV001303655.3), dbSNP rs2038668044, ClinGen allele CA400226608.

ClinVar aggregate classification (germline): Uncertain significance (1 of 4 stars; one submission).

Submission:

GeneDx
Classification: Uncertain significance. Last evaluated: 2025-05-22. Review status: criteria provided, single submitter. Criteria: GeneDx Variant Classification Process June 2021. Collection method: clinical testing. Allele origin: germline. Affected: yes.
Comment: Not observed in large population cohorts (gnomAD); In silico analysis supports that this missense variant has a deleterious effect on protein structure/function; Has not been previously published as pathogenic or benign to our knowledge